The following is an entry in ClinVar:

NC_012920.1(MT-TC):m.5773G>A

Gene: MT-TC (mitochondrially encoded tRNA cysteine; minus strand).
Variant type: single nucleotide variant.
Genome position: chrM-5773-G-A.
Identifiers: ClinVar variation 689982 (VCV000689982.1), dbSNP rs9659239, ClinGen allele CA337097229.

ClinVar aggregate classification (germline): Benign (1 of 4 stars; one submission).

Conditions:
MELAS syndrome (MELAS). Also called: Juvenile myopathy, encephalopathy, lactic acidosis, stroke. Identifiers: Orphanet 550, MedGen C0162671, MONDO:0010789, OMIM 540000.

Submission:

Wong Mito Lab, Molecular and Human Genetics, Baylor College of Medicine
Classification: Benign for MELAS syndrome. Last evaluated: 2019-07-12. Review status: criteria provided, single submitter. Criteria: Modified ACMG Guidelines (Unpublished). Collection method: clinical testing. Allele origin: germline.
Comment: The NC_012920.1:m.5773G>A variant in MT-TC gene is interpreted to be a Benign variant based on the modified ACMG guidelines (unpublished). This variant meets the following evidence codes reported in the guidelines: BA1, BP4

Literature cited by the submitters: PubMed 31965079.